The following is an entry in ClinVar:

NM_201384.3(PLEC):c.7528G>A (p.Glu2510Lys)

Gene: PLEC (plectin; minus strand). Cytogenetic location: 8q24.3.
Variant type: single nucleotide variant.
Coding change: c.7528G>A on transcript NM_201384.3 (MANE Select); coding-DNA position 7528, G replaced by A.
Protein change: p.Glu2510Lys; replaces glutamic acid 2510 with lysine.
Molecular consequence: missense variant.
Genome position (GRCh38, 1-based): chr8:143,922,293, C>T on the plus strand (G>A on the coding strand, the complement: PLEC is on the minus strand). VCF-style: chr8-143922293-C-T. GRCh37 (hg19) VCF-style: chr8-144996461-C-T.
Other names: c.7609G>A, p.Glu2537Lys (NM_000445.5); c.7486G>A, p.Glu2496Lys (NM_201378.4); c.7462G>A, p.Glu2488Lys (NM_201379.3); c.7939G>A, p.Glu2647Lys (NM_201380.4); c.7432G>A, p.Glu2478Lys (NM_201381.3); c.7528G>A, p.Glu2510Lys (NM_201382.4); c.7540G>A, p.Glu2514Lys (NM_201383.3); c.7609G>A (NM_000445.3); short protein forms E2478K, E2488K, E2514K, E2647K, E2496K, E2510K, E2537K.
Identifiers: ClinVar variation 940847 (VCV000940847.9), dbSNP rs377605567, ClinGen allele CA4925594.

ClinVar aggregate classification (germline): Uncertain significance. Review status: criteria provided, multiple submitters, no conflicts (2 of 4 stars). 4 submissions from 4 submitters: Uncertain significance (4). Last evaluated 2026-07-02.

Conditions:
Autosomal recessive limb-girdle muscular dystrophy type 2Q (LGMDR17). Also called: MUSCULAR DYSTROPHY, LIMB-GIRDLE, AUTOSOMAL RECESSIVE 17. Identifiers: Orphanet 254361, MedGen C3150989, MONDO:0013390, OMIM 613723.
Epidermolysis bullosa simplex, Ogna type (EBS5A). Also called: Pidermolysis bullosa simplex 5A, Ogna type; EPIDERMOLYSIS BULLOSA SIMPLEX 5A, OGNA TYPE. Identifiers: Orphanet 79401, MedGen C0432317, MONDO:0007555, OMIM 131950.
Epidermolysis bullosa simplex 5B, with muscular dystrophy (EBS5B). Also called: Epidermolysis bullosa simplex with muscular dystrophy; EPIDERMOLYSIS BULLOSA SIMPLEX AND LIMB-GIRDLE MUSCULAR DYSTROPHY. Identifiers: Orphanet 257, MedGen C2931072, MONDO:0009181, OMIM 226670.
Epidermolysis bullosa simplex with nail dystrophy (EBS5D). Identifiers: MedGen C4225309, MONDO:0014661, OMIM 616487.
Epidermolysis bullosa simplex 5C, with pyloric atresia (EBS5C). Also called: PLEC1-Related Epidermolysis Bullosa with Pyloric Atresia; PLEC-Related Epidermolysis Bullosa with Pyloric Atresia; Epidermolysis bullosa simplex with pyloric atresia. Identifiers: Orphanet 158684, MedGen C2677349, MONDO:0012807, OMIM 612138.
Inborn genetic diseases. Identifiers: MedGen C0950123, MeSH D030342.
PLEC-related disorder. Also called: PLEC-related disorders; PLEC-related condition.

Allele frequency attached by ClinVar (database versions not stated): gnomAD exomes 0.00003 and 0.00006; TOPMed 0.00003; ExAC 0.00004; gnomAD 0.00005 and 0.00006; ESP Exome Variant Server 0.00008.
gnomAD v4.1: 94 of 1,606,938 alleles (0.0058%); highest among the groups gnomAD compares: East Asian, 0.029%; no homozygotes.

Submissions (4):

PreventionGenetics, part of Exact Sciences
Classification: Uncertain significance for PLEC-related condition. Last evaluated: 2026-07-02. Review status: criteria provided, single submitter. Criteria: ACMG Guidelines, 2015. Collection method: clinical testing. Allele origin: germline.
Comment: The PLEC c.7609G>A variant is predicted to result in the amino acid substitution p.Glu2537Lys. To our knowledge, this variant has not been reported in the literature. This variant is reported in 0.0056% of alleles in individuals of European (Non-Finnish) descent in gnomAD. At this time, the clinical significance of this variant is uncertain due to the absence of conclusive functional and genetic evidence.

Athena Diagnostics
Classification: Uncertain significance. Last evaluated: 2025-11-04. Review status: criteria provided, single submitter. Criteria: Athena Diagnostics Criteria. Collection method: clinical testing. Allele origin: unknown.
Comment: Available data are insufficient to determine the clinical significance of the variant at this time. The frequency of this variant in the general population is uninformative in assessment of its pathogenicity. Polyphen and MutationTaster yielded discordant predictions regarding whether this amino acid change is damaging to the protein.

Ambry Genetics
Classification: Uncertain significance for Inborn genetic diseases. Last evaluated: 2025-10-27. Review status: criteria provided, single submitter. Criteria: Ambry Variant Classification Scheme 2023. Collection method: clinical testing. Allele origin: germline.

Labcorp Genetics (formerly Invitae), Labcorp
Classification: Uncertain significance for Autosomal recessive limb-girdle muscular dystrophy type 2Q; Epidermolysis bullosa simplex, Ogna type; Epidermolysis bullosa simplex with nail dystrophy; Epidermolysis bullosa simplex 5C, with pyloric atresia; Epidermolysis bullosa simplex 5B, with muscular dystrophy. Last evaluated: 2025-09-01. Review status: criteria provided, single submitter. Criteria: Invitae Variant Classification Sherloc (09022015). Collection method: clinical testing. Allele origin: germline.
Comment: This sequence change replaces glutamic acid, which is acidic and polar, with lysine, which is basic and polar, at codon 2537 of the PLEC protein (p.Glu2537Lys). This variant is present in population databases (rs377605567, gnomAD 0.006%). This variant has not been reported in the literature in individuals affected with PLEC-related conditions. ClinVar contains an entry for this variant (Variation ID: 940847). Invitae Evidence Modeling of protein sequence and biophysical properties (such as structural, functional, and spatial information, amino acid conservation, physicochemical variation, residue mobility, and thermodynamic stability) has been performed for this missense variant. However, the output from this modeling did not meet the statistical confidence thresholds required to predict the impact of this variant on PLEC protein function. In summary, the available evidence is currently insufficient to determine the role of this variant in disease. Therefore, it has been classified as a Variant of Uncertain Significance.